The following is an entry in ClinVar:

ClinVar aggregate classification (germline): Likely pathogenic (1 of 4 stars; one submission).

Conditions:
Fructose-biphosphatase deficiency (FBP1D). Also called: Fructose-1,6-Diphosphatase Deficiency; Fructose 1,6 Bisphosphatase Deficiency; Fructose-1,6-Bisphosphatase 1 Deficiency. Identifiers: Orphanet 348, MedGen C0016756, MONDO:0009251, OMIM 229700.

Allele frequency attached by ClinVar (database versions not stated): gnomAD 0.00001; TOPMed 0.00002.
gnomAD v4.1: 63 of 1,613,962 alleles (0.0039%); highest among the groups gnomAD compares: Non-Finnish European, 0.0051%; no homozygotes.

Submission:

Women's Health and Genetics/Laboratory Corporation of America, LabCorp
Classification: Likely pathogenic for Fructose-biphosphatase deficiency. Last evaluated: 2025-05-21. Review status: criteria provided, single submitter. Criteria: LabCorp Variant Classification Summary - May 2015. Collection method: clinical testing. Allele origin: germline.
Comment: Variant summary: FBP1 c.881G>T (p.Gly294Val) results in a non-conservative amino acid change located in the Fructose-1-6-bisphosphatase class 1, C-terminal (IPR044015) of the encoded protein sequence. Algorithms developed to predict the effect of missense changes on protein structure and function all suggest that this variant is likely to be disruptive. The variant allele was found at a frequency of 2.8e-05 in 251464 control chromosomes. c.881G>T has been reported in the literature in at least one individual affected with Fructose-biphosphatase deficiency (Herzog_2001). These data do not allow any conclusion about variant significance. At least one publication reports experimental evidence evaluating an impact on protein function and this variant results in <10% of normal enzymatic activity, reduced FBP1 protein expression, and abnormal protein localization (Tanaka_2022). The following publication has been ascertained in the context of this evaluation (PMID: 11286391). ClinVar contains an entry for this variant (Variation ID: 2573433). Based on the evidence outlined above, the variant was classified as likely pathogenic.

Literature cited by the submitters: PubMed 11286391.

NM_000507.4(FBP1):c.881G>T (p.Gly294Val)

Gene: FBP1 (fructose-bisphosphatase 1; minus strand). Cytogenetic location: 9q22.32.
Variant type: single nucleotide variant.
Coding change: c.881G>T on transcript NM_000507.4 (MANE Select); coding-DNA position 881, G replaced by T.
Protein change: p.Gly294Val; replaces glycine 294 with valine.
Molecular consequence: missense variant.
Genome position (GRCh38, 1-based): chr9:94,603,517, C>A on the plus strand (G>T on the coding strand, the complement: FBP1 is on the minus strand). VCF-style: chr9-94603517-C-A. GRCh37 (hg19) VCF-style: chr9-97365799-C-A.
Other names: c.881G>T, p.Gly294Val (NM_001127628.2); short protein forms G294V.
Identifiers: ClinVar variation 2573433 (VCV002573433.2), dbSNP rs780528686, ClinGen allele CA5136082.